The following is an entry in ClinVar:

ClinVar aggregate classification (germline): Uncertain significance (1 of 4 stars; one submission).

Conditions:
Phenylketonuria (PKU). Also called: FOLLING DISEASE; OLIGOPHRENIA PHENYLPYRUVICA; Phenylketonurias; Phenylketonuria (PKU). Identifiers: Orphanet 716, MedGen C0031485, MONDO:0009861, OMIM 261600. Disease mechanism: loss of function.

gnomAD v4.1: 2 of 1,614,200 alleles (0.00012%); highest among the groups gnomAD compares: Non-Finnish European, 0.00017%; no homozygotes.

Submission:

Labcorp Genetics (formerly Invitae), Labcorp
Classification: Uncertain significance for Phenylketonuria. Last evaluated: 2025-08-18. Review status: criteria provided, single submitter. Criteria: Invitae Variant Classification Sherloc (09022015). Collection method: clinical testing. Allele origin: germline.
Comment: This sequence change affects codon 11 of the PAH mRNA. It is a 'silent' change, meaning that it does not change the encoded amino acid sequence of the PAH protein. This variant is present in population databases (rs772557951, gnomAD 0.0009%). This variant has not been reported in the literature in individuals affected with PAH-related conditions. ClinVar contains an entry for this variant (Variation ID: 3723174). Algorithms developed to predict the effect of sequence changes on RNA splicing suggest that this variant may disrupt the consensus splice site. In summary, the available evidence is currently insufficient to determine the role of this variant in disease. Therefore, it has been classified as a Variant of Uncertain Significance.

NM_000277.3(PAH):c.33G>A (p.Leu11=)

Gene: PAH (phenylalanine hydroxylase; minus strand). Cytogenetic location: 12q23.2.
Variant type: single nucleotide variant.
Coding change: c.33G>A on transcript NM_000277.3 (MANE Select); coding-DNA position 33, G replaced by A.
Protein change: p.Leu11=; no amino-acid change (leucine 11 retained).
Molecular consequence: synonymous variant.
Genome position (GRCh38, 1-based): chr12:102,917,098, C>T on the plus strand (G>A on the coding strand, the complement: PAH is on the minus strand). VCF-style: chr12-102917098-C-T. GRCh37 (hg19) VCF-style: chr12-103310876-C-T.
Other names: c.33G>A, p.Leu11= (NM_001354304.2).
Identifiers: ClinVar variation 3723174 (VCV003723174.2).
Genomic context (GRCh38, chr12:102,917,098, plus strand): 5'-CCTAACTGAGCAGCTCAGGCTGCCGTGGCTCACCTGTCCAAAGTCAGAGAGTTTCCTGCC[C>T]AAGCCTGGGTTTTCCAGGACCGCAGTGGACATGCTGGCTCCCCGGGAGTGAGGTCTCTGG-3'
Protein context (NP_000268.1, residues 1-21): MSTAVLENPG[Leu11=]GRKLSDFGQE